The following is an entry in ClinVar:

NM_006231.4(POLE):c.2473_2492del (p.Arg825fs)

Gene: POLE (DNA polymerase epsilon, catalytic subunit; minus strand). Cytogenetic location: 12q24.33.
Variant type: Deletion.
Coding change: c.2473_2492del on transcript NM_006231.4 (MANE Select); coding-DNA positions 2473 to 2492, 20 bases deleted (CGCTGGTACTCCATGGAGAT).
Protein change: p.Arg825fs; shifts the reading frame from arginine 825.
Molecular consequence: frameshift variant.
Genome position (GRCh38, 1-based): chr12:132,664,439-132,664,458, ATCTCCATGGAGTACCAGCG deleted on the plus strand (CGCTGGTACTCCATGGAGAT on the coding strand, the reverse complement: POLE is on the minus strand); deleting any 20 consecutive bases within chr12:132,664,439-132,664,459 gives the same sequence; the c. name uses the placement nearest the transcript's 3' end. VCF-style (leftmost placement, unchanged base first): chr12-132664438-CATCTCCATGGAGTACCAGCG-C. GRCh37 (hg19) VCF-style: chr12-133241024-CATCTCCATGGAGTACCAGCG-C.
Other names: c.2473_2492delCGCTGGTACTCCATGGAGAT (NM_006231.3); short protein forms R825fs.
Identifiers: ClinVar variation 654177 (VCV000654177.8), dbSNP rs1593783115, ClinGen allele CA915946849.

ClinVar aggregate classification (germline): Pathogenic (1 of 4 stars; one submission).

Submission:

Labcorp Genetics (formerly Invitae), Labcorp
Classification: Pathogenic. Last evaluated: 2022-05-12. Review status: criteria provided, single submitter. Criteria: Invitae Variant Classification Sherloc (09022015). Collection method: clinical testing. Allele origin: germline.
Comment: For these reasons, this variant has been classified as Pathogenic. Algorithms developed to predict the effect of sequence changes on RNA splicing suggest that this variant may create or strengthen a splice site. ClinVar contains an entry for this variant (Variation ID: 654177). This variant has not been reported in the literature in individuals affected with POLE-related conditions. This variant is not present in population databases (gnomAD no frequency). This sequence change creates a premature translational stop signal (p.Arg825Glyfs*77) in the POLE gene. It is expected to result in an absent or disrupted protein product. Loss-of-function variants in POLE are known to be pathogenic (PMID: 23230001, 25948378, 30503519).

Literature cited by the submitters: PubMed 23230001; PubMed 25948378; PubMed 30503519.